The following is an entry in ClinVar:

NM_021870.3(FGG):c.1175G>A (p.Gly392Asp)

Gene: FGG (fibrinogen gamma chain; minus strand). Cytogenetic location: 4q32.1.
Variant type: single nucleotide variant.
Coding change: c.1175G>A on transcript NM_021870.3 (MANE Select); coding-DNA position 1175, G replaced by A.
Protein change: p.Gly392Asp; replaces glycine 392 with aspartic acid.
Molecular consequence: missense variant.
Genome position (GRCh38, 1-based): chr4:154,605,021, C>T on the plus strand (G>A on the coding strand, the complement: FGG is on the minus strand). VCF-style: chr4-154605021-C-T. GRCh37 (hg19) VCF-style: chr4-155526173-C-T.
Other names: c.1175G>A, p.Gly392Asp (NM_000509.6); short protein forms G392D.
Identifiers: ClinVar variation 3603867 (VCV003603867.2).

ClinVar aggregate classification (germline): Uncertain significance (1 of 4 stars; one submission).

gnomAD v4.1: 1 of 1,613,926 alleles (0.000062%); highest among the groups gnomAD compares: Non-Finnish European, 0.000085%; no homozygotes.

Submission:

Labcorp Genetics (formerly Invitae), Labcorp
Classification: Uncertain significance. Last evaluated: 2024-09-16. Review status: criteria provided, single submitter. Criteria: Invitae Variant Classification Sherloc (09022015). Collection method: clinical testing. Allele origin: germline.
Comment: This sequence change replaces glycine, which is neutral and non-polar, with aspartic acid, which is acidic and polar, at codon 392 of the FGG protein (p.Gly392Asp). This variant is not present in population databases (gnomAD no frequency). This missense change has been observed in individual(s) with dysfibrinogenemia (PMID: 35975558). Invitae Evidence Modeling of protein sequence and biophysical properties (such as structural, functional, and spatial information, amino acid conservation, physicochemical variation, residue mobility, and thermodynamic stability) indicates that this missense variant is expected to disrupt FGG protein function with a positive predictive value of 80%. In summary, the available evidence is currently insufficient to determine the role of this variant in disease. Therefore, it has been classified as a Variant of Uncertain Significance.

Literature cited by the submitters: PubMed 35975558.